The following is an entry in ClinVar:

ClinVar aggregate classification (germline): Uncertain significance (1 of 4 stars; one submission).

Conditions:
Inborn genetic diseases. Identifiers: MedGen C0950123, MeSH D030342.

Submission:

Ambry Genetics
Classification: Uncertain significance for Inborn genetic diseases. Last evaluated: 2024-08-30. Review status: criteria provided, single submitter. Criteria: Ambry Variant Classification Scheme 2023. Collection method: clinical testing. Allele origin: germline.
Comment: The p.V886A variant (also known as c.2657T>C), located in coding exon 20 of the LRRK2 gene, results from a T to C substitution at nucleotide position 2657. The valine at codon 886 is replaced by alanine, an amino acid with similar properties. This amino acid position is conserved. In addition, the in silico prediction for this alteration is inconclusive. Based on the available evidence, the clinical significance of this variant remains unclear.

NM_198578.4(LRRK2):c.2657T>C (p.Val886Ala)

Gene: LRRK2 (leucine rich repeat kinase 2; plus strand). Cytogenetic location: 12q12.
Variant type: single nucleotide variant.
Coding change: c.2657T>C on transcript NM_198578.4 (MANE Select); coding-DNA position 2657, T replaced by C.
Protein change: p.Val886Ala; replaces valine 886 with alanine.
Molecular consequence: missense variant.
Genome position (GRCh38, 1-based): chr12:40,287,507, T>C. VCF-style: chr12-40287507-T-C. GRCh37 (hg19) VCF-style: chr12-40681309-T-C.
Other names: short protein forms V886A.
Identifiers: ClinVar variation 3540647 (VCV003540647.1).